The following is an entry in ClinVar:

ClinVar aggregate classification (germline): Uncertain significance. Review status: criteria provided, multiple submitters, no conflicts (2 of 4 stars). 2 submissions from 2 submitters: Uncertain significance (2). Last evaluated 2026-01-15.

Allele frequency attached by ClinVar (database versions not stated): gnomAD 0.00002; gnomAD exomes 0.00002; TOPMed 0.00002; ExAC 0.00006; ESP Exome Variant Server 0.00008.
gnomAD v4.1: 27 of 1,613,946 alleles (0.0017%); highest among the groups gnomAD compares: Non-Finnish European, 0.0023%; no homozygotes.

Submissions (2):

Labcorp Genetics (formerly Invitae), Labcorp
Classification: Uncertain significance. Last evaluated: 2026-01-15. Review status: criteria provided, single submitter. Criteria: Invitae Variant Classification Sherloc (09022015). Collection method: clinical testing. Allele origin: germline.
Comment: This sequence change replaces threonine, which is neutral and polar, with arginine, which is basic and polar, at codon 1038 of the CFH protein (p.Thr1038Arg). This variant is present in population databases (rs377051240, gnomAD 0.007%). This missense change has been observed in individual(s) with purpura fulminans (PMID: 38096369). ClinVar contains an entry for this variant (Variation ID: 2139052). An algorithm developed to predict the effect of missense changes on protein structure and function (PolyPhen-2) suggests that this variant is likely to be tolerated. In summary, the available evidence is currently insufficient to determine the role of this variant in disease. Therefore, it has been classified as a Variant of Uncertain Significance.

Blueprint Genetics
Classification: Uncertain significance. Last evaluated: 2024-11-04. Review status: criteria provided, single submitter. Criteria: ACMG Guidelines, 2015. Collection method: clinical testing. Allele origin: germline.

Literature cited by the submitters: PubMed 38096369 (cited by Labcorp Genetics (formerly Invitae), Labcorp).

NM_000186.4(CFH):c.3113C>G (p.Thr1038Arg)

Gene: CFH (complement factor H; plus strand). Cytogenetic location: 1q31.3.
Variant type: single nucleotide variant.
Coding change: c.3113C>G on transcript NM_000186.4 (MANE Select); coding-DNA position 3113, C replaced by G.
Protein change: p.Thr1038Arg; replaces threonine 1038 with arginine.
Molecular consequence: missense variant.
Genome position (GRCh38, 1-based): chr1:196,742,031, C>G. VCF-style: chr1-196742031-C-G. GRCh37 (hg19) VCF-style: chr1-196711161-C-G.
Other names: short protein forms T1038R.
Identifiers: ClinVar variation 2139052 (VCV002139052.5), dbSNP rs377051240, ClinGen allele CA1305825.